The following is an entry in ClinVar:

NM_001370466.1(NOD2):c.2173G>A (p.Glu725Lys)

Gene: NOD2 (nucleotide binding oligomerization domain containing 2; plus strand). Cytogenetic location: 16q12.1.
Variant type: single nucleotide variant.
Coding change: c.2173G>A on transcript NM_001370466.1 (MANE Select); coding-DNA position 2173, G replaced by A.
Protein change: p.Glu725Lys; replaces glutamic acid 725 with lysine.
Molecular consequence: missense variant. On other transcripts: non-coding transcript variant (1).
Genome position (GRCh38, 1-based): chr16:50,712,165, G>A. VCF-style: chr16-50712165-G-A. GRCh37 (hg19) VCF-style: chr16-50746076-G-A.
Other names: c.2173G>A, p.Glu725Lys (NM_001293557.2); c.2254G>A, p.Glu752Lys (NM_022162.3); short protein forms E725K, E752K.
Identifiers: ClinVar variation 4789783 (VCV004789783.1).
Genomic context (GRCh38, chr16:50,712,165, plus strand): 5'-AGCGTGCATGCCATGCCCGGGTTCATCTGGCTCATCCGGAGCCTGTACGAGATGCAGGAG[G>A]AGCGGCTGGCTCGGAAGGCTGCACGTGGCCTGAATGTTGGGCACCTCAAGTTGACATTTT-3'
Protein context (NP_001357395.1, residues 715-735): LIRSLYEMQE[Glu725Lys]RLARKAARGL

ClinVar aggregate classification (germline): Uncertain significance (1 of 4 stars; one submission).

Conditions:
Regional enteritis. Also called: Enteritis, Granulomatous. Identifiers: MedGen C0678202, MeSH D003424.
Blau syndrome (BLAUS). Also called: ARTHROCUTANEOUVEAL GRANULOMATOSIS; GRANULOMATOSIS, FAMILIAL JUVENILE SYSTEMIC; GRANULOMATOSIS, FAMILIAL, BLAU TYPE; GRANULOMATOUS INFLAMMATORY ARTHRITIS, DERMATITIS, AND UVEITIS, FAMILIAL; JABS SYNDROME. Identifiers: Orphanet 90340, MedGen C5201146, MONDO:0008523, OMIM 186580.

gnomAD v4.1: 1 of 1,614,080 alleles (0.000062%); highest among the groups gnomAD compares: Non-Finnish European, 0.000085%; no homozygotes.

Submission:

Labcorp Genetics (formerly Invitae), Labcorp
Classification: Uncertain significance for Regional enteritis; Blau syndrome. Last evaluated: 2025-12-17. Review status: criteria provided, single submitter. Criteria: Invitae Variant Classification Sherloc (09022015). Collection method: clinical testing. Allele origin: germline.
Comment: This sequence change replaces glutamic acid, which is acidic and polar, with lysine, which is basic and polar, at codon 752 of the NOD2 protein (p.Glu752Lys). This variant is not present in population databases (gnomAD no frequency). This variant has not been reported in the literature in individuals affected with NOD2-related conditions. Invitae Evidence Modeling of protein sequence and biophysical properties (such as structural, functional, and spatial information, amino acid conservation, physicochemical variation, residue mobility, and thermodynamic stability) indicates that this missense variant is not expected to disrupt NOD2 protein function with a negative predictive value of 95%. In summary, the available evidence is currently insufficient to determine the role of this variant in disease. Therefore, it has been classified as a Variant of Uncertain Significance.